The following is an entry in ClinVar:

NM_001711.6(BGN):c.855CAA[2] (p.Asn287del)

Gene: BGN (biglycan; plus strand). Cytogenetic location: Xq28.
Variant type: Microsatellite.
Coding change: c.855CAA[2] on transcript NM_001711.6 (MANE Select); two copies in a row of the 3-base unit CAA starting at c.855; the reference has three copies in a row; one copy, 3 bases deleted.
Protein change: p.Asn287del; deletes asparagine 287.
Molecular consequence: inframe deletion.
Genome position (GRCh38, 1-based): chrX:153,507,137-153,507,139, CAA deleted; deleting any 3 consecutive bases within chrX:153,507,130-153,507,139 gives the same sequence; the position shown is the placement nearest the transcript's 3' end. VCF-style (leftmost placement, unchanged base first): chrX-153507129-GACA-G. GRCh37 (hg19) VCF-style: chrX-152772587-GACA-G.
Other names: c.861_863delCAA (NM_001711.6); short protein forms N287del.
Identifiers: ClinVar variation 2633259 (VCV002633259.5), dbSNP rs2521221485, ClinGen allele CA645612406.

ClinVar aggregate classification (germline): Uncertain significance. Review status: criteria provided, multiple submitters, no conflicts (2 of 4 stars). 3 submissions from 3 submitters: Uncertain significance (3). Last evaluated 2026-05-01.

Conditions:
BGN-related disorder. Also called: BGN-related condition.

Submissions (3):

Women's Health and Genetics/Laboratory Corporation of America, LabCorp
Classification: Uncertain significance. Last evaluated: 2026-05-01. Review status: criteria provided, single submitter. Criteria: LabCorp Variant Classification Summary - May 2015. Collection method: clinical testing. Allele origin: germline.
Comment: Variant summary: BGN c.861_863delCAA (p.Asn287del) results in an in-frame deletion that is predicted to remove one amino acid from the encoded protein. The variant was absent in 168989 control chromosomes (gnomAD). The available data on variant occurrences in the general population are insufficient to allow any conclusion about variant significance. To our knowledge, no occurrence of c.861_863delCAA in individuals affected with BGN-related conditions and no experimental evidence demonstrating its impact on protein function have been reported. ClinVar contains an entry for this variant (Variation ID: 2633259). Based on the evidence outlined above, the variant was classified as uncertain significance.

Labcorp Genetics (formerly Invitae), Labcorp
Classification: Uncertain significance. Last evaluated: 2024-11-19. Review status: criteria provided, single submitter. Criteria: Invitae Variant Classification Sherloc (09022015). Collection method: clinical testing. Allele origin: germline.
Comment: This variant, c.861_863del, results in the deletion of 1 amino acid(s) of the BGN protein (p.Asn287del), but otherwise preserves the integrity of the reading frame. This variant is not present in population databases (gnomAD no frequency). This variant has not been reported in the literature in individuals affected with BGN-related conditions. Experimental studies and prediction algorithms are not available or were not evaluated, and the functional significance of this variant is currently unknown. In summary, the available evidence is currently insufficient to determine the role of this variant in disease. Therefore, it has been classified as a Variant of Uncertain Significance.

PreventionGenetics, part of Exact Sciences
Classification: Uncertain significance for BGN-related condition. Last evaluated: 2023-05-10. Review status: criteria provided, single submitter. Criteria: ACMG Guidelines, 2015. Collection method: clinical testing. Allele origin: germline.
Comment: The BGN c.861_863delCAA variant is predicted to result in an in-frame deletion (p.Asn287del). To our knowledge, this variant has not been reported in the literature or in a large population database, indicating this variant is rare. At this time, the clinical significance of this variant is uncertain due to the absence of conclusive functional and genetic evidence.